The following is an entry in ClinVar:

NM_019109.5(ALG1):c.1393T>C (p.Ter465Gln)

Genes: ALG1 (ALG1 chitobiosyldiphosphodolichol beta-mannosyltransferase; plus strand), EEF2KMT (eukaryotic elongation factor 2 lysine methyltransferase; minus strand). Cytogenetic location: 16p13.3.
Variant type: single nucleotide variant.
Coding change: c.1393T>C on transcript NM_019109.5 (MANE Select); coding-DNA position 1393, T replaced by C.
Protein change: p.Ter465Gln.
Molecular consequence: stop lost. On other transcripts: 3 prime UTR variant (3).
Genome position (GRCh38, 1-based): chr16:5,084,879, T>C. VCF-style: chr16-5084879-T-C. GRCh37 (hg19) VCF-style: chr16-5134880-T-C.
Other names: c.*753A>G (NM_001289029.2, NM_201400.4, NM_201598.4); c.1060T>C, p.Ter354Gln (NM_001330504.2).
Identifiers: ClinVar variation 1467083 (VCV001467083.8), dbSNP rs3204229, ClinGen allele CA7890357.

ClinVar aggregate classification (germline): Uncertain significance. Review status: criteria provided, multiple submitters, no conflicts (2 of 4 stars). 3 submissions from 3 submitters: Uncertain significance (3). Last evaluated 2025-04-14.

Conditions:
ALG1-congenital disorder of glycosylation. Also called: CONGENITAL DISORDER OF GLYCOSYLATION, TYPE Ik; CDG Ik; ALG1-CDG. Identifiers: Orphanet 79327, MedGen C2931005, MONDO:0012052, OMIM 608540.

Allele frequency attached by ClinVar (database versions not stated): ExAC 0.00001; gnomAD exomes 0.00001; gnomAD 0.00002 and 0.00003; TOPMed 0.00003.
gnomAD v4.1: 12 of 1,592,846 alleles (0.00075%); highest among the groups gnomAD compares: East Asian, 0.0022%; no homozygotes.

Submissions (3):

Women's Health and Genetics/Laboratory Corporation of America, LabCorp
Classification: Uncertain significance. Last evaluated: 2025-04-14. Review status: criteria provided, single submitter. Criteria: LabCorp Variant Classification Summary - May 2015. Collection method: clinical testing. Allele origin: germline.
Comment: Variant summary: ALG1 c.1393T>C (p.X465GlnextX39) changes the termination codon and is predicted to lead to an extended protein with additional amino acids added to the normal C-terminus. ALG1 c.1393T>C (p.X465GlnextX39) causes a frameshift which results in an extension of the protein. The variant allele was found at a frequency of 1.3e-05 in 232582 control chromosomes. The available data on variant occurrences in the general population are insufficient to allow any conclusion about variant significance. To our knowledge, no occurrence of c.1393T>C in individuals affected with Congenital Disorder Of Glycosylation Type 1K and no experimental evidence demonstrating its impact on protein function have been reported. ClinVar contains an entry for this variant (Variation ID: 1467083). Based on the evidence outlined above, the variant was classified as uncertain significance.

Labcorp Genetics (formerly Invitae), Labcorp
Classification: Uncertain significance for ALG1-congenital disorder of glycosylation. Last evaluated: 2022-08-09. Review status: criteria provided, single submitter. Criteria: Invitae Variant Classification Sherloc (09022015). Collection method: clinical testing. Allele origin: germline.
Comment: This sequence change disrupts the translational stop signal of the ALG1 mRNA. It is expected to extend the length of the ALG1 protein by 39 additional amino acid residues. The frequency data for this variant in the population databases is considered unreliable, as metrics indicate poor data quality at this position in the gnomAD database. This variant has not been reported in the literature in individuals affected with ALG1-related conditions. ClinVar contains an entry for this variant (Variation ID: 1467083). In summary, the available evidence is currently insufficient to determine the role of this variant in disease. Therefore, it has been classified as a Variant of Uncertain Significance.

Fulgent Genetics
Classification: Uncertain significance for ALG1-congenital disorder of glycosylation. Last evaluated: 2022-02-14. Review status: criteria provided, single submitter. Criteria: ACMG Guidelines, 2015. Collection method: clinical testing. Allele origin: unknown.